The following is an entry in ClinVar:

ClinVar aggregate classification (germline): Uncertain significance (1 of 4 stars; one submission).

gnomAD v4.1: 1 of 1,614,208 alleles (0.000062%); highest among the groups gnomAD compares: Non-Finnish European, 0.000085%; no homozygotes.

Submission:

GeneDx
Classification: Uncertain significance. Last evaluated: 2024-11-04. Review status: criteria provided, single submitter. Criteria: GeneDx Variant Classification Process June 2021. Collection method: clinical testing. Allele origin: germline. Affected: yes.
Comment: Not observed at significant frequency in large population cohorts (gnomAD); In silico analysis supports that this missense variant has a deleterious effect on protein structure/function; Has not been previously published as pathogenic or benign to our knowledge; This variant is associated with the following publications: (PMID: 15735151)

NM_004655.4(AXIN2):c.285C>G (p.Phe95Leu)

Gene: AXIN2 (axin 2; minus strand). Cytogenetic location: 17q24.1.
Variant type: single nucleotide variant.
Coding change: c.285C>G on transcript NM_004655.4 (MANE Select); coding-DNA position 285, C replaced by G.
Protein change: p.Phe95Leu; replaces phenylalanine 95 with leucine.
Molecular consequence: missense variant.
Genome position (GRCh38, 1-based): chr17:65,558,336, G>C on the plus strand (C>G on the coding strand, the complement: AXIN2 is on the minus strand). VCF-style: chr17-65558336-G-C. GRCh37 (hg19) VCF-style: chr17-63554454-G-C.
Other names: c.285C>G, p.Phe95Leu (NM_001363813.1); short protein forms F95L.
Identifiers: ClinVar variation 3897273 (VCV003897273.1).